The following is an entry in ClinVar:

ClinVar aggregate classification (germline): Benign/Likely benign. Review status: criteria provided, multiple submitters, no conflicts (2 of 4 stars). 8 submissions from 8 submitters: Benign (6); Likely benign (1). 1 of the submissions does not count toward it. Last evaluated 2026-02-02.

Conditions:
ZNF469-related disorder. Also called: ZNF469-related condition.
Brittle cornea syndrome 1 (BCS1). Also called: CORNEAL FRAGILITY, KERATOGLOBUS, BLUE SCLERAE, JOINT HYPEREXTENSIBILITY; EDS6B; FRAGILITAS OCULI WITH JOINT HYPEREXTENSIBILITY; DYSGENESIS MESODERMALIS CORNEAE ET SCLERAE; Corneal fragility keratoglobus, blue sclerae AND joint hypermobility. Identifiers: Orphanet 90354, MedGen C0268344, MONDO:0024543, OMIM 229200.
Cardiovascular phenotype. Identifiers: MedGen CN230736.

Allele frequency attached by ClinVar (database versions not stated): ExAC 0.00432; 1000 Genomes Project 30x 0.01031; 1000 Genomes Project 0.01058; gnomAD 0.01205 and 0.01305; TOPMed 0.01350.
gnomAD v4.1: 3,469 of 1,550,086 alleles (0.22%); highest among the groups gnomAD compares: African/African-American, 4.3%; 66 homozygotes.

Submissions (8):

Labcorp Genetics (formerly Invitae), Labcorp
Classification: Benign. Last evaluated: 2026-02-02. Review status: criteria provided, single submitter. Criteria: Invitae Variant Classification Sherloc (09022015). Collection method: clinical testing. Allele origin: germline.

Women's Health and Genetics/Laboratory Corporation of America, LabCorp
Classification: Benign. Last evaluated: 2026-01-22. Review status: criteria provided, single submitter. Criteria: LabCorp Variant Classification Summary - May 2015. Collection method: clinical testing. Allele origin: germline.

Mayo Clinic Laboratories, Mayo Clinic
Classification: Benign. Last evaluated: 2023-08-24. Review status: criteria provided, single submitter. Criteria: ACMG Guidelines, 2015. Collection method: clinical testing. Allele origin: germline. Observed: 9 variant alleles.
Comment: BS1, BS2, BP4, BP7

Genome-Nilou Lab
Classification: Benign for Brittle cornea syndrome 1. Last evaluated: 2021-12-05. Review status: criteria provided, single submitter. Criteria: ACMG Guidelines, 2015. Collection method: clinical testing. Allele origin: germline. Affected: no.

Ambry Genetics
Classification: Benign for Cardiovascular phenotype. Last evaluated: 2019-04-19. Review status: criteria provided, single submitter. Criteria: Ambry Variant Classification Scheme 2023. Collection method: clinical testing. Allele origin: germline.

GeneDx
Classification: Benign. Last evaluated: 2017-01-04. Review status: criteria provided, single submitter. Criteria: GeneDx Variant Classification (06012015). Collection method: clinical testing. Allele origin: germline. Affected: yes.
Comment: This variant is considered likely benign or benign based on one or more of the following criteria: it is a conservative change, it occurs at a poorly conserved position in the protein, it is predicted to be benign by multiple in silico algorithms, and/or has population frequency not consistent with disease.

Breakthrough Genomics
Classification: Likely benign. Review status: criteria provided, single submitter. Criteria: ACMG Guidelines, 2015. Collection method: not provided. Allele origin: germline. Inheritance: Autosomal recessive inheritance. Affected: yes.

PreventionGenetics, part of Exact Sciences
Classification: Benign for ZNF469-related condition. Last evaluated: 2019-05-02. Review status: no assertion criteria provided. Collection method: clinical testing. Allele origin: germline. Not counted in ClinVar's aggregate classification.
Comment: This variant is classified as benign based on ACMG/AMP sequence variant interpretation guidelines (Richards et al. 2015 PMID: 25741868, with internal and published modifications).

NM_001367624.2(ZNF469):c.2034C>T (p.Ala678=)

Gene: ZNF469 (zinc finger protein 469; plus strand). Cytogenetic location: 16q24.2.
Variant type: single nucleotide variant.
Coding change: c.2034C>T on transcript NM_001367624.2 (MANE Select); coding-DNA position 2034, C replaced by T.
Protein change: p.Ala678=; no amino-acid change (alanine 678 retained).
Molecular consequence: synonymous variant.
Genome position (GRCh38, 1-based): chr16:88,429,504, C>T. VCF-style: chr16-88429504-C-T. GRCh37 (hg19) VCF-style: chr16-88495912-C-T.
Other names: NM_001127464.1:c.2034C>T; NM_001127464.2:c.2034C>T; p.Ala678=.
Identifiers: ClinVar variation 320879 (VCV000320879.20), dbSNP rs58401704, ClinGen allele CA8224738.